The following is an entry in ClinVar:

ClinVar aggregate classification (germline): Likely benign. Review status: criteria provided, multiple submitters, no conflicts (2 of 4 stars). 2 submissions from 2 submitters: Likely benign (2). Last evaluated 2026-03-01.

Allele frequency attached by ClinVar (database versions not stated): gnomAD 0.00119; ExAC 0.00263.

Submissions (2):

CeGaT Center for Human Genetics Tuebingen
Classification: Likely benign. Last evaluated: 2026-03-01. Review status: criteria provided, single submitter. Criteria: CeGaT Center For Human Genetics Tuebingen Variant Classification Criteria Version 2. Collection method: clinical testing. Allele origin: germline. Affected: yes. Observed: 5 variant alleles.
Comment: PHC1: BP4, BP7

Blueprint Genetics
Classification: Likely benign. Last evaluated: 2024-11-27. Review status: criteria provided, single submitter. Criteria: ACMG Guidelines, 2015. Collection method: clinical testing. Allele origin: germline.

NM_004426.3(PHC1):c.1302G>A (p.Gln434=)

Gene: PHC1 (polyhomeotic homolog 1; plus strand). Cytogenetic location: 12p13.31.
Variant type: single nucleotide variant.
Coding change: c.1302G>A on transcript NM_004426.3 (MANE Select); coding-DNA position 1302, G replaced by A.
Protein change: p.Gln434=; no amino-acid change (glutamine 434 retained).
Molecular consequence: synonymous variant. On other transcripts: non-coding transcript variant (1).
Genome position (GRCh38, 1-based): chr12:8,932,759, G>A. VCF-style: chr12-8932759-G-A. GRCh37 (hg19) VCF-style: chr12-9085355-G-A.
Other names: c.1278G>A, p.Gln426= (NM_001413751.1, NM_001413752.1, NM_001413740.1 and 1 more transcripts); c.1152G>A, p.Gln384= (NM_001413753.1, NM_001413754.1); c.1302G>A, p.Gln434= (NM_001413738.1, NM_001413744.1, NM_001413745.1 and 4 more transcripts); c.1296G>A, p.Gln432= (NM_001413739.1); c.1191G>A, p.Gln397= (NM_001413741.1); c.1146G>A, p.Gln382= (NM_001413742.1, NM_001413743.1).
Identifiers: ClinVar variation 2582902 (VCV002582902.26), dbSNP rs766337438, ClinGen allele CA6437012.
Genomic context (GRCh38, chr12:8,932,759, plus strand): 5'-CCTTCACACAGCTACACACCTCCAGTTGGCGCAGCAGCAGCAGCAGCAACAACAGCAACA[G>A]CAGCAACAGCAGCAGCCGCAAGCCACCACCCTCACTGCCCCTCAGCCACCACAGGTCCCA-3'
Protein context (NP_004417.2, residues 424-444): AQQQQQQQQQ[Gln434=]QQQQQPQATT